The following is an entry in ClinVar:

ClinVar aggregate classification (germline): Uncertain significance (1 of 4 stars; one submission).

Conditions:
Hereditary cancer-predisposing syndrome. Also called: Hereditary Cancer Syndrome; Hereditary neoplastic syndrome; Neoplastic Syndromes, Hereditary; Tumor predisposition. Identifiers: Orphanet 140162, MedGen C0027672, MeSH D009386, MONDO:0015356.

Allele frequency attached by ClinVar (database versions not stated): TOPMed below 0.00001.

Submission:

Ambry Genetics
Classification: Uncertain significance for Hereditary cancer-predisposing syndrome. Last evaluated: 2024-06-08. Review status: criteria provided, single submitter. Criteria: Ambry Variant Classification Scheme 2023. Collection method: clinical testing. Allele origin: germline.
Comment: The p.Y32N variant (also known as c.94T>A), located in coding exon 2 of the EPCAM gene, results from a T to A substitution at nucleotide position 94. The tyrosine at codon 32 is replaced by asparagine, an amino acid with dissimilar properties. This amino acid position is conserved. In addition, this alteration is predicted to be tolerated by in silico analysis. Since supporting evidence is limited at this time, the clinical significance of this alteration remains unclear.

NM_002354.3(EPCAM):c.94T>A (p.Tyr32Asn)

Gene: EPCAM (epithelial cell adhesion molecule; plus strand). Cytogenetic location: 2p21.
Variant type: single nucleotide variant.
Coding change: c.94T>A on transcript NM_002354.3 (MANE Select); coding-DNA position 94, T replaced by A.
Protein change: p.Tyr32Asn; replaces tyrosine 32 with asparagine.
Molecular consequence: missense variant.
Genome position (GRCh38, 1-based): chr2:47,373,480, T>A. VCF-style: chr2-47373480-T-A. GRCh37 (hg19) VCF-style: chr2-47600619-T-A.
Other names: short protein forms Y32N.
Identifiers: ClinVar variation 1767183 (VCV001767183.3), dbSNP rs896120924, ClinGen allele CA46691061.